The following is an entry in ClinVar:

NM_001134363.3(RBM20):c.2041T>C (p.Tyr681His)

Gene: RBM20 (RNA binding motif protein 20; plus strand). Cytogenetic location: 10q25.2.
Variant type: single nucleotide variant.
Coding change: c.2041T>C on transcript NM_001134363.3 (MANE Select); coding-DNA position 2041, T replaced by C.
Protein change: p.Tyr681His; replaces tyrosine 681 with histidine.
Molecular consequence: missense variant.
Genome position (GRCh38, 1-based): chr10:110,812,438, T>C. VCF-style: chr10-110812438-T-C. GRCh37 (hg19) VCF-style: chr10-112572196-T-C.
Other names: short protein forms Y681H.
Identifiers: ClinVar variation 1357320 (VCV001357320.12), dbSNP rs1257262328, ClinGen allele CA378371090.

ClinVar aggregate classification (germline): Uncertain significance. Review status: criteria provided, multiple submitters, no conflicts (2 of 4 stars). 3 submissions from 3 submitters: Uncertain significance (3). Last evaluated 2025-09-28.

Conditions:
Cardiovascular phenotype. Identifiers: MedGen CN230736.
Dilated cardiomyopathy 1DD (CMD1DD). Identifiers: Orphanet 154, MedGen C2750995, MONDO:0013168, OMIM 613172.

Allele frequency attached by ClinVar (database versions not stated): gnomAD exomes 0.00002.
gnomAD v4.1: 31 of 1,551,590 alleles (0.002%); highest among the groups gnomAD compares: Non-Finnish European, 0.0026%; no homozygotes.

Submissions (3):

Labcorp Genetics (formerly Invitae), Labcorp
Classification: Uncertain significance for Dilated cardiomyopathy 1DD. Last evaluated: 2025-09-28. Review status: criteria provided, single submitter. Criteria: Invitae Variant Classification Sherloc (09022015). Collection method: clinical testing. Allele origin: germline.
Comment: This sequence change replaces tyrosine, which is neutral and polar, with histidine, which is basic and polar, at codon 681 of the RBM20 protein (p.Tyr681His). This variant is not present in population databases (gnomAD no frequency). This variant has not been reported in the literature in individuals affected with RBM20-related conditions. ClinVar contains an entry for this variant (Variation ID: 1357320). Invitae Evidence Modeling of protein sequence and biophysical properties (such as structural, functional, and spatial information, amino acid conservation, physicochemical variation, residue mobility, and thermodynamic stability) indicates that this missense variant is not expected to disrupt RBM20 protein function with a negative predictive value of 95%. In summary, the available evidence is currently insufficient to determine the role of this variant in disease. Therefore, it has been classified as a Variant of Uncertain Significance.

Ambry Genetics
Classification: Uncertain significance for Cardiovascular phenotype. Last evaluated: 2025-08-19. Review status: criteria provided, single submitter. Criteria: Ambry Variant Classification Scheme 2023. Collection method: clinical testing. Allele origin: germline.
Comment: The p.Y681H variant (also known as c.2041T>C), located in coding exon 9 of the RBM20 gene, results from a T to C substitution at nucleotide position 2041. The tyrosine at codon 681 is replaced by histidine, an amino acid with similar properties. This amino acid position is not well conserved in available vertebrate species, and histidine is the reference amino acid in other vertebrate species. In addition, this alteration is predicted to be tolerated by in silico analysis. Since supporting evidence is limited at this time, the clinical significance of this alteration remains unclear.

Clinical Genomics Laboratory, Stanford Medicine
Classification: Uncertain significance for Dilated cardiomyopathy 1DD. Last evaluated: 2023-02-23. Review status: criteria provided, single submitter. Criteria: ACMG Guidelines, 2015. Collection method: clinical testing. Allele origin: germline. Observed: 1 variant allele, 1 heterozygote.
Comment: The p.Tyr681His variant in the RBM20 gene has not been previously reported in association with disease. This variant was absent from large population databases, including the Genome Aggregation Database. This variant is present in ClinVar (Accession: VCV001357320.9). Computational tools predict that this variant is neither deleterious nor benign; however, the accuracy of in silico algorithms is limited. These data were assessed using the ACMG/AMP variant interpretation guidelines. In summary, the significance of the p.Tyr681His variant is uncertain. Additional information is needed to resolve the significance of this variant. [ACMG evidence codes used: PM2]